The following is an entry in ClinVar:

ClinVar aggregate classification (germline): Uncertain significance (1 of 4 stars; one submission).

Submission:

GeneDx
Classification: Uncertain significance. Last evaluated: 2022-10-10. Review status: criteria provided, single submitter. Criteria: GeneDx Variant Classification Process June 2021. Collection method: clinical testing. Allele origin: germline. Affected: yes.
Comment: Not observed at significant frequency in large population cohorts (gnomAD); In silico analysis supports that this missense variant does not alter protein structure/function; Has not been previously published as pathogenic or benign to our knowledge

NM_000138.5(FBN1):c.1283C>G (p.Pro428Arg)

Gene: FBN1 (fibrillin 1; minus strand). Cytogenetic location: 15q21.1.
Variant type: single nucleotide variant.
Coding change: c.1283C>G on transcript NM_000138.5 (MANE Select); coding-DNA position 1283, C replaced by G.
Protein change: p.Pro428Arg; replaces proline 428 with arginine.
Molecular consequence: missense variant.
Genome position (GRCh38, 1-based): chr15:48,516,227, G>C on the plus strand (C>G on the coding strand, the complement: FBN1 is on the minus strand). VCF-style: chr15-48516227-G-C. GRCh37 (hg19) VCF-style: chr15-48808424-G-C.
Other names: c.1283C>G, p.Pro428Arg (NM_001406716.1); short protein forms P428R.
Identifiers: ClinVar variation 2497961 (VCV002497961.1), dbSNP rs2505619465, ClinGen allele CA392345461.
Genomic context (GRCh38, chr15:48,516,227, plus strand): 5'-ATTTTTGAATTCTTACTTGGTGGCTCCCGAGATGGATACAGATATTCCACTGGTGGTCGA[G>C]GGACCGGAATTTGAGGTCCAGGAGGAAAGCCAGGAGGAACAGGGAGAACTGGAGGAATGG-3'
Protein context (NP_000129.3, residues 418-438): GFPPGPQIPV[Pro428Arg]RPPVEYLYPS